The following is an entry in ClinVar:

NM_021072.4(HCN1):c.257G>A (p.Gly86Glu)

Gene: HCN1 (hyperpolarization activated cyclic nucleotide gated potassium channel 1; minus strand). Cytogenetic location: 5p12.
Variant type: single nucleotide variant.
Coding change: c.257G>A on transcript NM_021072.4 (MANE Select); coding-DNA position 257, G replaced by A.
Protein change: p.Gly86Glu; replaces glycine 86 with glutamic acid.
Molecular consequence: missense variant.
Genome position (GRCh38, 1-based): chr5:45,695,837, C>T on the plus strand (G>A on the coding strand, the complement: HCN1 is on the minus strand). VCF-style: chr5-45695837-C-T. GRCh37 (hg19) VCF-style: chr5-45695939-C-T.
Other names: short protein forms G86E.
Identifiers: ClinVar variation 4707175 (VCV004707175.1).

ClinVar aggregate classification (germline): Uncertain significance (1 of 4 stars; one submission).

Conditions:
Early-infantile DEE. Also called: Early infantile epileptic encephalopathy; Ohtahara syndrome; Early infantile epileptic encephalopathy with suppression bursts. Identifiers: Orphanet 1934, MedGen C0393706, MONDO:0800491.

gnomAD v4.1: 2 of 1,601,492 alleles (0.00012%); highest among the groups gnomAD compares: Non-Finnish European, 0.00017%; no homozygotes.

Submission:

Labcorp Genetics (formerly Invitae), Labcorp
Classification: Uncertain significance for Early-infantile DEE. Last evaluated: 2025-04-10. Review status: criteria provided, single submitter. Criteria: Invitae Variant Classification Sherloc (09022015). Collection method: clinical testing. Allele origin: germline.
Comment: This sequence change replaces glycine, which is neutral and non-polar, with glutamic acid, which is acidic and polar, at codon 86 of the HCN1 protein (p.Gly86Glu). This variant is present in population databases (no rsID available, gnomAD 0.001%). This variant has not been reported in the literature in individuals affected with HCN1-related conditions. Invitae Evidence Modeling of protein sequence and biophysical properties (such as structural, functional, and spatial information, amino acid conservation, physicochemical variation, residue mobility, and thermodynamic stability) indicates that this missense variant is not expected to disrupt HCN1 protein function with a negative predictive value of 95%. In summary, the available evidence is currently insufficient to determine the role of this variant in disease. Therefore, it has been classified as a Variant of Uncertain Significance.